The following is an entry in ClinVar:

NM_182914.3(SYNE2):c.18075G>A (p.Gln6025=)

Gene: SYNE2 (spectrin repeat containing nuclear envelope protein 2; plus strand). Cytogenetic location: 14q23.2.
Variant type: single nucleotide variant.
Coding change: c.18075G>A on transcript NM_182914.3 (MANE Select); coding-DNA position 18075, G replaced by A.
Protein change: p.Gln6025=; no amino-acid change (glutamine 6025 retained).
Molecular consequence: synonymous variant.
Genome position (GRCh38, 1-based): chr14:64,202,837, G>A. VCF-style: chr14-64202837-G-A. GRCh37 (hg19) VCF-style: chr14-64669555-G-A.
Other names: c.18075G>A, p.Gln6025= (NM_015180.6).
Identifiers: ClinVar variation 1952354 (VCV001952354.5), dbSNP rs2139990324, ClinGen allele CA486709368.

ClinVar aggregate classification (germline): Uncertain significance (1 of 4 stars; one submission).

Conditions:
Emery-Dreifuss muscular dystrophy 5, autosomal dominant (EDMD5). Also called: EMERY-DREIFUSS MUSCULAR DYSTROPHY 5. Identifiers: Orphanet 261, MedGen C2751805, MONDO:0013072, OMIM 612999.

Submission:

Labcorp Genetics (formerly Invitae), Labcorp
Classification: Uncertain significance for Emery-Dreifuss muscular dystrophy 5, autosomal dominant. Last evaluated: 2022-05-31. Review status: criteria provided, single submitter. Criteria: Invitae Variant Classification Sherloc (09022015). Collection method: clinical testing. Allele origin: germline.
Comment: This variant is not present in population databases (gnomAD no frequency). This sequence change affects codon 6025 of the SYNE2 mRNA. It is a 'silent' change, meaning that it does not change the encoded amino acid sequence of the SYNE2 protein. In summary, the available evidence is currently insufficient to determine the role of this variant in disease. Therefore, it has been classified as a Variant of Uncertain Significance. Algorithms developed to predict the effect of sequence changes on RNA splicing suggest that this variant may disrupt the consensus splice site. This variant has not been reported in the literature in individuals affected with SYNE2-related conditions.